The following is an entry in ClinVar:

ClinVar aggregate classification (germline): Likely benign. Review status: criteria provided, single submitter (1 of 4 stars). 2 submissions from 2 submitters: Likely benign (1). 1 of the submissions does not count toward it. Last evaluated 2021-12-22.

Conditions:
PLXNA1-related disorder. Also called: PLXNA1-related condition.

Allele frequency attached by ClinVar (database versions not stated): gnomAD 0.00002; TOPMed 0.00002; ExAC 0.00011.
gnomAD v4.1: 52 of 1,602,442 alleles (0.0032%); highest among the groups gnomAD compares: East Asian, 0.11%; no homozygotes.

Submissions (2):

Labcorp Genetics (formerly Invitae), Labcorp
Classification: Likely benign. Last evaluated: 2021-12-22. Review status: criteria provided, single submitter. Criteria: Invitae Variant Classification Sherloc (09022015). Collection method: clinical testing. Allele origin: germline.

PreventionGenetics, part of Exact Sciences
Classification: Likely benign for PLXNA1-related condition. Last evaluated: 2024-06-28. Review status: no assertion criteria provided. Collection method: clinical testing. Allele origin: germline. Not counted in ClinVar's aggregate classification.
Comment: This variant is classified as likely benign based on ACMG/AMP sequence variant interpretation guidelines (Richards et al. 2015 PMID: 25741868, with internal and published modifications).

NM_032242.4(PLXNA1):c.1191C>T (p.Asn397=)

Gene: PLXNA1 (plexin A1; plus strand). Cytogenetic location: 3q21.3.
Variant type: single nucleotide variant.
Coding change: c.1191C>T on transcript NM_032242.4 (MANE Select); coding-DNA position 1191, C replaced by T.
Protein change: p.Asn397=; no amino-acid change (asparagine 397 retained).
Molecular consequence: synonymous variant.
Genome position (GRCh38, 1-based): chr3:126,989,784, C>T. VCF-style: chr3-126989784-C-T. GRCh37 (hg19) VCF-style: chr3-126708627-C-T.
Other names: c.1191C>T (NM_032242.3).
Identifiers: ClinVar variation 2181156 (VCV002181156.5), dbSNP rs774107686, ClinGen allele CA2593131.